The following is an entry in ClinVar:

ClinVar aggregate classification (germline): Benign (1 of 4 stars; one submission).

Conditions:
Pyridoxine-dependent epilepsy (EPEO4). Also called: Pyridoxine-Dependent Epilepsy - ALDH7A1; PYRIDOXINE DEPENDENCY WITH SEIZURES; EPILEPSY, EARLY-ONSET, 4, VITAMIN B6-DEPENDENT; Pyridoxine-Dependent Seizures. Identifiers: Orphanet 3006, MedGen C1849508, MONDO:0009945, OMIM 266100. Disease mechanism: loss of function.

Allele frequency attached by ClinVar (database versions not stated): TOPMed 0.09584; gnomAD 0.10542 and 0.10394; gnomAD exomes 0.12335; 1000 Genomes Project 30x 0.09557; 1000 Genomes Project 0.09764.
gnomAD v4.1: 17,276 of 160,766 alleles (11%); highest among the groups gnomAD compares: Middle Eastern, 17%; 1,191 homozygotes.

Submission:

Illumina Laboratory Services, Illumina
Classification: Benign for Pyridoxine-dependent epilepsy. Last evaluated: 2018-01-13. Review status: criteria provided, single submitter. Criteria: ICSL Variant Classification Criteria 13 December 2019. Collection method: clinical testing. Allele origin: germline.
Comment: This variant was observed in the ICSL laboratory as part of a predisposition screen in an ostensibly healthy population. It had not been previously curated by ICSL or reported in the Human Gene Mutation Database (HGMD: prior to June 1st, 2018), and was therefore a candidate for classification through an automated scoring system. Utilizing variant allele frequency, disease prevalence and penetrance estimates, and inheritance mode, an automated score was calculated to assess if this variant is too frequent to cause the disease. Based on the score and internal cut-off values, a variant classified as benign is not then subjected to further curation. The score for this variant resulted in a classification of benign for this disease.

NM_001182.5(ALDH7A1):c.*548C>T

Genes: ALDH7A1 (aldehyde dehydrogenase 7 family member A1; minus strand), LOC129994503 (ATAC-STARR-seq lymphoblastoid active region 23023; plus strand). Cytogenetic location: 5q23.2.
Variant type: single nucleotide variant.
Coding change: c.*548C>T on transcript NM_001182.5 (MANE Select); 548 bases downstream of the stop codon, C replaced by T.
Molecular consequence: 3 prime UTR variant.
Genome position (GRCh38, 1-based): chr5:126,544,417, G>A on the plus strand (C>T on the coding strand, the complement: ALDH7A1 is on the minus strand). VCF-style: chr5-126544417-G-A. GRCh37 (hg19) VCF-style: chr5-125880109-G-A.
Other names: c.*548C>T (NM_001201377.2, NM_001202404.2).
Identifiers: ClinVar variation 350576 (VCV000350576.5), dbSNP rs1060856, ClinGen allele CA10622436.